The following is an entry in ClinVar:

ClinVar aggregate classification (germline): Uncertain significance (1 of 4 stars; one submission).

Allele frequency attached by ClinVar (database versions not stated): gnomAD exomes below 0.00001; ExAC 0.00001; gnomAD 0.00003 and 0.00004; TOPMed 0.00003.
gnomAD v4.1: 6 of 1,612,410 alleles (0.00037%); highest among the groups gnomAD compares: African/African-American, 0.008%; no homozygotes.

Submission:

Labcorp Genetics (formerly Invitae), Labcorp
Classification: Uncertain significance. Last evaluated: 2022-08-23. Review status: criteria provided, single submitter. Criteria: Invitae Variant Classification Sherloc (09022015). Collection method: clinical testing. Allele origin: germline.
Comment: In summary, the available evidence is currently insufficient to determine the role of this variant in disease. Therefore, it has been classified as a Variant of Uncertain Significance. Algorithms developed to predict the effect of missense changes on protein structure and function (SIFT, PolyPhen-2, Align-GVGD) all suggest that this variant is likely to be tolerated. ClinVar contains an entry for this variant (Variation ID: 939208). This variant has not been reported in the literature in individuals affected with PRPF4-related conditions. This variant is present in population databases (rs781701455, gnomAD 0.008%). This sequence change replaces serine, which is neutral and polar, with cysteine, which is neutral and slightly polar, at codon 243 of the PRPF4 protein (p.Ser243Cys).

NM_001244926.2(PRPF4):c.725C>G (p.Ser242Cys)

Gene: PRPF4 (pre-mRNA splicing tri-snRNP complex factor PRPF4; plus strand). Cytogenetic location: 9q32.
Variant type: single nucleotide variant.
Coding change: c.725C>G on transcript NM_001244926.2 (MANE Select); coding-DNA position 725, C replaced by G.
Protein change: p.Ser242Cys; replaces serine 242 with cysteine.
Molecular consequence: missense variant. On other transcripts: 5 prime UTR variant (2), non-coding transcript variant (2).
Genome position (GRCh38, 1-based): chr9:113,284,365, C>G. VCF-style: chr9-113284365-C-G. GRCh37 (hg19) VCF-style: chr9-116046645-C-G.
Other names: c.-41C>G (NM_001322266.2, NM_001322267.2); c.728C>G, p.Ser243Cys (NM_004697.5); short protein forms S242C, S243C.
Identifiers: ClinVar variation 939208 (VCV000939208.9), dbSNP rs781701455, ClinGen allele CA5194980.